The following is an entry in ClinVar:

ClinVar aggregate classification (germline): Uncertain significance. Review status: criteria provided, multiple submitters, no conflicts (2 of 4 stars). 3 submissions from 3 submitters: Uncertain significance (3). Last evaluated 2025-08-25.

Conditions:
Intellectual developmental disorder with speech delay, autism, and dysmorphic facies. Identifiers: MedGen C5231456, MONDO:0032864, OMIM 618672.
Inborn genetic diseases. Identifiers: MedGen C0950123, MeSH D030342.

Allele frequency attached by ClinVar (database versions not stated): ExAC 0.00003.
gnomAD v4.1: 13 of 1,611,732 alleles (0.00081%); highest among the groups gnomAD compares: Admixed American, 0.0017%; no homozygotes.

Submissions (3):

Ambry Genetics
Classification: Uncertain significance for Inborn genetic diseases. Last evaluated: 2025-08-25. Review status: criteria provided, single submitter. Criteria: Ambry Variant Classification Scheme 2023. Collection method: clinical testing. Allele origin: germline.

Revvity Omics, Revvity
Classification: Uncertain significance for Intellectual developmental disorder with speech delay, autism, and dysmorphic facies. Last evaluated: 2023-12-06. Review status: criteria provided, single submitter. Criteria: ACMG Guidelines, 2015. Collection method: clinical testing. Allele origin: germline.

Labcorp Genetics (formerly Invitae), Labcorp
Classification: Uncertain significance. Last evaluated: 2022-03-11. Review status: criteria provided, single submitter. Criteria: Invitae Variant Classification Sherloc (09022015). Collection method: clinical testing. Allele origin: germline.
Comment: This sequence change replaces proline, which is neutral and non-polar, with alanine, which is neutral and non-polar, at codon 458 of the CNOT3 protein (p.Pro458Ala). This variant is present in population databases (rs781143246, gnomAD 0.004%). This variant has not been reported in the literature in individuals affected with CNOT3-related conditions. Algorithms developed to predict the effect of missense changes on protein structure and function output the following: SIFT: "Tolerated"; PolyPhen-2: "Possibly Damaging"; Align-GVGD: "Class C0". The alanine amino acid residue is found in multiple mammalian species, which suggests that this missense change does not adversely affect protein function. In summary, the available evidence is currently insufficient to determine the role of this variant in disease. Therefore, it has been classified as a Variant of Uncertain Significance.

NM_014516.4(CNOT3):c.1372C>G (p.Pro458Ala)

Gene: CNOT3 (CCR4-NOT transcription complex subunit 3; plus strand). Cytogenetic location: 19q13.42.
Variant type: single nucleotide variant.
Coding change: c.1372C>G on transcript NM_014516.4 (MANE Select); coding-DNA position 1372, C replaced by G.
Protein change: p.Pro458Ala; replaces proline 458 with alanine.
Molecular consequence: missense variant.
Genome position (GRCh38, 1-based): chr19:54,148,709, C>G. VCF-style: chr19-54148709-C-G. GRCh37 (hg19) VCF-style: chr19-54652444-C-G.
Other names: c.1372C>G (NM_014516.3); short protein forms P458A.
Identifiers: ClinVar variation 1973228 (VCV001973228.7), dbSNP rs781143246, ClinGen allele CA309339756.